The following is an entry in ClinVar:

ClinVar aggregate classification (germline): Uncertain significance (1 of 4 stars; one submission).

Allele frequency attached by ClinVar (database versions not stated): gnomAD 0.00001.
gnomAD v4.1: 35 of 1,551,582 alleles (0.0023%); highest among the groups gnomAD compares: Non-Finnish European, 0.003%; no homozygotes.

Submission:

Labcorp Genetics (formerly Invitae), Labcorp
Classification: Uncertain significance. Last evaluated: 2025-02-09. Review status: criteria provided, single submitter. Criteria: Invitae Variant Classification Sherloc (09022015). Collection method: clinical testing. Allele origin: germline.
Comment: This sequence change replaces histidine, which is basic and polar, with leucine, which is neutral and non-polar, at codon 1413 of the NIN protein (p.His1413Leu). This variant is present in population databases (no rsID available, gnomAD 0.002%). This variant has not been reported in the literature in individuals affected with NIN-related conditions. ClinVar contains an entry for this variant (Variation ID: 2974904). An algorithm developed to predict the effect of missense changes on protein structure and function (PolyPhen-2) suggests that this variant is likely to be tolerated. In summary, the available evidence is currently insufficient to determine the role of this variant in disease. Therefore, it has been classified as a Variant of Uncertain Significance.

NM_020921.4(NIN):c.4238A>T (p.His1413Leu)

Gene: NIN (ninein; minus strand). Cytogenetic location: 14q22.1.
Variant type: single nucleotide variant.
Coding change: c.4238A>T on transcript NM_020921.4 (MANE Select); coding-DNA position 4238, A replaced by T.
Protein change: p.His1413Leu; replaces histidine 1413 with leucine.
Molecular consequence: missense variant. On other transcripts: intron variant (1).
Genome position (GRCh38, 1-based): chr14:50,756,792, T>A on the plus strand (A>T on the coding strand, the complement: NIN is on the minus strand). VCF-style: chr14-50756792-T-A. GRCh37 (hg19) VCF-style: chr14-51223510-T-A.
Other names: c.4238A>T, p.His1413Leu (NM_182944.3, NM_182946.2); c.2400-1925A>T (NM_016350.5); short protein forms H1413L.
Identifiers: ClinVar variation 2974904 (VCV002974904.3), dbSNP rs1380579655, ClinGen allele CA389693719.